The following is an entry in ClinVar:

NM_024675.4(PALB2):c.229del (p.Cys77fs)

Gene: PALB2 (partner and localizer of BRCA2; minus strand). Cytogenetic location: 16p12.2.
Variant type: Deletion.
Coding change: c.229del on transcript NM_024675.4 (MANE Select); coding-DNA position 229, one base deleted (T; older notation c.229delT).
Protein change: p.Cys77fs; shifts the reading frame from cysteine 77.
Molecular consequence: frameshift variant.
Genome position (GRCh38, 1-based): chr16:23,636,317, A deleted on the plus strand (T on the coding strand, the reverse complement: PALB2 is on the minus strand). VCF-style (leftmost placement, unchanged base first): chr16-23636316-CA-C. GRCh37 (hg19) VCF-style: chr16-23647637-CA-C.
Other names: c.229delT (NM_024675.4, NM_024675.3); short protein forms C77fs.
Identifiers: ClinVar variation 126644 (VCV000126644.30), dbSNP rs180177084, ClinGen allele CA331794.
Genomic context (GRCh38, chr16:23,636,316, plus strand): 5'-GATGTCTTTTCTCCAGTTTCTTCATCAAGATGGGTTTTGATGTGTAACTTGTCATAAACA[CA>C]TATTTTATTTTTAGGTTCTGAGGAGGAAAAAAATGTATATAACTTATATTTTTCTTATAA-3'

ClinVar aggregate classification (germline): Pathogenic. Review status: criteria provided, multiple submitters, no conflicts (2 of 4 stars). 11 submissions from 11 submitters: Pathogenic (10). 1 of the submissions does not count toward it. Last evaluated 2025-05-15.

Conditions:
PALB2-related cancer predisposition. Identifiers: MedGen CN377761, MONDO:0700272.
Colorectal cancer. Also called: Colorectal cancer, somatic; Malignant Colorectal Neoplasm. Identifiers: MedGen C0346629, MONDO:0005575, OMIM 114500.
Breast and/or ovarian cancer. Identifiers: MedGen CN221562.
Hereditary cancer-predisposing syndrome. Also called: Hereditary Cancer Syndrome; Hereditary neoplastic syndrome; Tumor predisposition; Neoplastic Syndromes, Hereditary. Identifiers: Orphanet 140162, MedGen C0027672, MeSH D009386, MONDO:0015356.
Familial cancer of breast. Also called: BREAST CANCER, FAMILIAL; hereditary breast carcinoma; Hereditary breast cancer. Identifiers: Orphanet 227535, MedGen C0346153, MONDO:0016419, OMIM 114480. Disease mechanism: loss of function.

Allele frequency attached by ClinVar (database versions not stated): gnomAD exomes below 0.00001; gnomAD 0.00001; TOPMed 0.00001.

Submissions (11):

Labcorp Genetics (formerly Invitae), Labcorp
Classification: Pathogenic for Familial cancer of breast. Last evaluated: 2025-05-15. Review status: criteria provided, single submitter. Criteria: Invitae Variant Classification Sherloc (09022015). Collection method: clinical testing. Allele origin: germline.
Comment: This sequence change creates a premature translational stop signal (p.Cys77Valfs*100) in the PALB2 gene. It is expected to result in an absent or disrupted protein product. Loss-of-function variants in PALB2 are known to be pathogenic (PMID: 17200668, 17200671, 17200672, 24136930, 25099575). This variant is present in population databases (rs180177084, gnomAD 0.007%). This premature translational stop signal has been observed in individual(s) with breast cancer (PMID: 17420451, 23341105). ClinVar contains an entry for this variant (Variation ID: 126644). For these reasons, this variant has been classified as Pathogenic.

GeneDx
Classification: Pathogenic. Last evaluated: 2024-03-25. Review status: criteria provided, single submitter. Criteria: GeneDx Variant Classification Process June 2021. Collection method: clinical testing. Allele origin: germline. Affected: yes.
Comment: Frameshift variant predicted to result in protein truncation or nonsense mediated decay in a gene for which loss-of-function is a known mechanism of disease; Not observed at significant frequency in large population cohorts (gnomAD); Truncating variants in this gene are considered pathogenic by a well-established clinical consortium and/or database; This variant is associated with the following publications: (PMID: 21113654, 26790966, 23341105, 18302019, 18628482, 20346647, 19333784, 21618343, 25099575, 19264984, 20213081, 27783279, 26411315, 17420451, 33964450, 17200672, 24136930, 17200668, 17200671)

Ambry Genetics
Classification: Pathogenic for Hereditary cancer-predisposing syndrome. Last evaluated: 2024-01-29. Review status: criteria provided, single submitter. Criteria: Ambry Variant Classification Scheme 2023. Collection method: clinical testing. Allele origin: germline.
Comment: The c.229delT pathogenic mutation, located in coding exon 4 of the PALB2 gene, results from a deletion of one nucleotide at nucleotide position 229, causing a translational frameshift with a predicted alternate stop codon (p.C77Vfs*100). This mutation has been seen in multiple breast cancer families and was demonstrated to result in a protein product with reduced binding to BRCA2 and deficient homologous recombination (Antoniou AC et al. N. Engl. J. Med., 2014 Aug;371:497-506; Tischkowitz M et al. Proc. Natl. Acad. Sci. U.S.A., 2007 Apr;104:6788-93). In addition to the clinical data presented in the literature, this alteration is expected to result in loss of function by premature protein truncation or nonsense-mediated mRNA decay. As such, this alteration is interpreted as a disease-causing mutation.

Myriad Genetics, Inc.
Classification: Pathogenic for Familial cancer of breast. Last evaluated: 2023-09-06. Review status: criteria provided, single submitter. Criteria: Myriad Autosomal Dominant, Autosomal Recessive and X-Linked Classification Criteria (2023). Collection method: clinical testing. Allele origin: unknown.
Comment: This variant is considered pathogenic. This variant creates a frameshift predicted to result in premature protein truncation.

Department of Pathology and Laboratory Medicine, Sinai Health System
Classification: Pathogenic for PALB2-related cancer predisposition. Last evaluated: 2022-01-11. Review status: criteria provided, single submitter. Criteria: ACMG Guidelines, 2015. Collection method: clinical testing. Allele origin: germline. Affected: no.

Genetics and Molecular Pathology, SA Pathology
Classification: Pathogenic for Colorectal cancer. Last evaluated: 2021-10-11. Review status: criteria provided, single submitter. Criteria: ACMG Guidelines, 2015. Collection method: clinical testing. Allele origin: germline. Affected: yes.
Comment: PALB2:c.229del is a deletion of a single nucleotide in exon 4 predicted to encode a frameshift of the mature mRNA with consequent premature termination of protein synthesis at codon 100 of the frameshift, or 176 (PALB2:p.(Cys77ValfsTer100)) using NP_078951.2. This is predicted to result in absent PALB2 protein due to nonsense mediated decay (NMD). If NMD is escaped, this variant is expected to encode a truncated protein. Variants of this type are widely accepted to be pathogenic (Tayoun, et al., 2018, PMID:30192042) (PVS1). PALB2:c.229del (rs180177084) is rare in population databases (gnomAD=0.00066%) (PM2). This variant has not been reported in the scientific literature in association with colon cancer. This variant has been identified in one Scottish family with multiple recurrences of breast cancer in three individuals (Tischkowitz et al., 2007, PMID: 17420451) (PS4_Supporting). Functional studies showed that this variant produced a truncated protein that had minimal BRCA2 binding capacity and defective double strand break repair by homologous recombination (Tischkowitz et al., 2007, PMID: 17420451). This variant is on record in ClinVar (Variation ID:126644) reported by multiple clinical laboratories without conflict as pathogenic in association with hereditary cancer-predisposing syndrome and familial cancer of breast. This variant is listed in HGMD as ‘disease causing mutation’ in association with the breast cancer phenotype (Accession: CD072459).

Baylor Genetics
Classification: Pathogenic for Familial cancer of breast. Last evaluated: 2021-10-07. Review status: criteria provided, single submitter. Criteria: ACMG Guidelines, 2015. Collection method: clinical testing. Allele origin: unknown.

CHEO Genetics Diagnostic Laboratory, Children's Hospital of Eastern Ontario
Classification: Pathogenic for Breast and/or ovarian cancer. Last evaluated: 2020-05-25. Review status: criteria provided, single submitter. Criteria: ACMG Guidelines, 2015. Collection method: clinical testing. Allele origin: germline.

Color Diagnostics, LLC DBA Color Health
Classification: Pathogenic for Hereditary cancer-predisposing syndrome. Last evaluated: 2020-01-15. Review status: criteria provided, single submitter. Criteria: ACMG Guidelines, 2015. Collection method: clinical testing. Allele origin: germline.
Comment: This variant deletes 1 nucleotide in exon 4 of the PALB2 gene, creating a frameshift and premature translation stop signal. This variant is expected to result in an absent or non-functional protein product. This variant has been identified in 1/31356 chromosomes in the general population by the Genome Aggregation Database (gnomAD). Loss of PALB2 function is a known mechanism of disease. Based on the available evidence, this variant is classified as Pathogenic.

Quest Diagnostics Nichols Institute San Juan Capistrano
Classification: Pathogenic. Last evaluated: 2018-09-11. Review status: criteria provided, single submitter. Criteria: Quest Diagnostics criteria. Collection method: clinical testing. Allele origin: germline.
Comment: The variant results in a shift of the reading frame, and is therefore predicted to significantly disrupt the protein structure. Found in at least one symptomatic patient, and not found in general population data. Assessment of experimental evidence suggests this variant results in abnormal protein function.

Leiden Open Variation Database
Classification: Pathogenic for Familial cancer of breast. Last evaluated: 2019-05-13. Review status: no assertion criteria provided. Collection method: curation. Allele origin: germline. Affected: yes. Not counted in ClinVar's aggregate classification.
Comment: Curators: Marc Tischkowitz, Arleen D. Auerbach. Submitter to LOVD: Marc Tischkowitz.

Literature cited by the submitters: PubMed 17200668 (cited by Labcorp Genetics (formerly Invitae), Labcorp); PubMed 17200671 (cited by Labcorp Genetics (formerly Invitae), Labcorp); PubMed 17200672 (cited by Labcorp Genetics (formerly Invitae), Labcorp); PubMed 24136930 (cited by Labcorp Genetics (formerly Invitae), Labcorp); PubMed 25099575 (cited by 5 submitters); PubMed 17420451 (cited by 6 submitters); PubMed 23341105 (cited by 4 submitters); PubMed 19264984 (cited by Ambry Genetics and Leiden Open Variation Database).